The following is an entry in ClinVar:

ClinVar aggregate classification (germline): Uncertain significance (1 of 4 stars; one submission).

Allele frequency attached by ClinVar (database versions not stated): gnomAD exomes below 0.00001.
gnomAD v4.1: 1 of 1,613,208 alleles (0.000062%); highest among the groups gnomAD compares: Non-Finnish European, 0.000085%; no homozygotes.

Submission:

GeneDx
Classification: Uncertain significance. Last evaluated: 2023-03-31. Review status: criteria provided, single submitter. Criteria: GeneDx Variant Classification Process June 2021. Collection method: clinical testing. Allele origin: germline. Affected: yes.
Comment: Not observed at significant frequency in large population cohorts (gnomAD); In silico analysis supports that this missense variant has a deleterious effect on protein structure/function; Has not been previously published as pathogenic or benign to our knowledge

NM_004593.3(TRA2B):c.797C>T (p.Ser266Phe)

Gene: TRA2B (transformer 2 beta homolog; minus strand). Cytogenetic location: 3q27.2.
Variant type: single nucleotide variant.
Coding change: c.797C>T on transcript NM_004593.3 (MANE Select); coding-DNA position 797, C replaced by T.
Protein change: p.Ser266Phe; replaces serine 266 with phenylalanine.
Molecular consequence: missense variant.
Genome position (GRCh38, 1-based): chr3:185,918,424, G>A on the plus strand (C>T on the coding strand, the complement: TRA2B is on the minus strand). VCF-style: chr3-185918424-G-A. GRCh37 (hg19) VCF-style: chr3-185636212-G-A.
Other names: c.497C>T, p.Ser166Phe (NM_001243879.2); short protein forms S166F, S266F.
Identifiers: ClinVar variation 2582209 (VCV002582209.1), dbSNP rs2473734969, ClinGen allele CA355838021.
Genomic context (GRCh38, chr3:185,918,424, plus strand): 5'-CGAGGTGAGTATGATCGAGATCTGGAACGTGATCTGTATCCTCCACGACTATAGTAAGGA[G>A]AAGGTGACCGCCTTCTATAAACAAATGTCAAGATTGTCTAAGTCTCAATAGATCACAATT-3'
Protein context (NP_004584.1, residues 256-276): RDQIYRRRSP[Ser266Phe]PYYSRGGYRS